The following is an entry in ClinVar:

ClinVar aggregate classification (germline): Uncertain significance (1 of 4 stars; one submission).

Conditions:
Fetal akinesia deformation sequence 1 (FADS1). Also called: Pena-Shokeir syndrome type I; Fetal akinesia sequence. Identifiers: Orphanet 994, MedGen C1276035, MONDO:0100101, OMIM 208150, HP:0001989.
Congenital myasthenic syndrome 9. Also called: Myasthenic syndrome, congenital, 9, associated with acetylcholine receptor deficiency. Identifiers: Orphanet 590, MedGen C4225368, MONDO:0014587, OMIM 616325.

Submission:

Labcorp Genetics (formerly Invitae), Labcorp
Classification: Uncertain significance for Congenital myasthenic syndrome 9; Fetal akinesia deformation sequence 1. Last evaluated: 2021-07-28. Review status: criteria provided, single submitter. Criteria: Invitae Variant Classification Sherloc (09022015). Collection method: clinical testing. Allele origin: germline.
Comment: This variant is not present in population databases (ExAC no frequency). This sequence change replaces leucine with histidine at codon 170 of the MUSK protein (p.Leu170His). The leucine residue is highly conserved and there is a moderate physicochemical difference between leucine and histidine. This variant has not been reported in the literature in individuals affected with MUSK-related conditions. In summary, the available evidence is currently insufficient to determine the role of this variant in disease. Therefore, it has been classified as a Variant of Uncertain Significance. Advanced modeling of protein sequence and biophysical properties (such as structural, functional, and spatial information, amino acid conservation, physicochemical variation, residue mobility, and thermodynamic stability) performed at Invitae indicates that this missense variant is expected to disrupt MUSK protein function.

NM_005592.4(MUSK):c.509T>A (p.Leu170His)

Gene: MUSK (muscle associated receptor tyrosine kinase; plus strand). Cytogenetic location: 9q31.3.
Variant type: single nucleotide variant.
Coding change: c.509T>A on transcript NM_005592.4 (MANE Select); coding-DNA position 509, T replaced by A.
Protein change: p.Leu170His; replaces leucine 170 with histidine.
Molecular consequence: missense variant.
Genome position (GRCh38, 1-based): chr9:110,697,347, T>A. VCF-style: chr9-110697347-T-A. GRCh37 (hg19) VCF-style: chr9-113459627-T-A.
Other names: c.509T>A, p.Leu170His (NM_001166280.2, NM_001166281.2); short protein forms L170H.
Identifiers: ClinVar variation 1420370 (VCV001420370.6), dbSNP rs1464415453, ClinGen allele CA374666091.